The following is an entry in ClinVar:

ClinVar aggregate classification (germline): Pathogenic/Likely pathogenic. Review status: criteria provided, multiple submitters, no conflicts (2 of 4 stars). 3 submissions from 3 submitters: Pathogenic (2); Likely pathogenic (1). Last evaluated 2026-01-21.

Conditions:
Familial X-linked hypophosphatemic vitamin D refractory rickets (XLHRD). Also called: Hypophosphatemic Rickets, X-Linked Dominant; HYPOPHOSPHATEMIC VITAMIN D-RESISTANT RICKETS; Hypophosphatemia, vitamin D-resistant rickets; Vitamin D-resistant rickets, X-linked; X-Linked Hypophosphatemia. Identifiers: Orphanet 89936, MedGen C0733682, MONDO:0010619, OMIM 307800.

Submissions (6):

Labcorp Genetics (formerly Invitae), Labcorp
Classification: Pathogenic. Last evaluated: 2026-01-21. Review status: criteria provided, single submitter. Criteria: Invitae Variant Classification Sherloc (09022015). Collection method: clinical testing. Allele origin: germline.
Comment: This sequence change creates a premature translational stop signal (p.Trp167*) in the PHEX gene. It is expected to result in an absent or disrupted protein product. Loss-of-function variants in PHEX are known to be pathogenic (PMID: 9097956, 9106524, 19219621). This variant is not present in population databases (gnomAD no frequency). This premature translational stop signal has been observed in individual(s) with hypophosphatemia (PMID: 33666701; internal data). ClinVar contains an entry for this variant (Variation ID: 372452). For these reasons, this variant has been classified as Pathogenic.

Chongqing Key Laboratory of Prevention and Treatment of Major Blinding Diseases, The First Affiliated Hospital of Chongqing Medical University
Classification: Likely pathogenic for Familial X-linked hypophosphatemic vitamin D refractory rickets. Last evaluated: 2024-10-02. Review status: criteria provided, single submitter. Criteria: ACMG Guidelines, 2015. Collection method: clinical testing. Allele origin: unknown. Inheritance: X-linked dominant inheritance. Affected: yes. Observed: 1 variant allele, 1 hemizygote.
Comment: The nonsense variant PHEX (NM_000444.4): c.500G>A (p.Trp167Ter) was interpreted as Likely Pathogenic according to ACMG/AMP guidelines. The supporting evidence codes are: PVS1 (Very Strong): Null variant (nonsense) in a gene where loss-of-function (LOF) is a known mechanism of disease (X-linked hypophosphatemia). PM2 (Moderate): Absent from (or at very low frequency in) population databases (gnomAD, 1000 Genomes, ExAC). This variant has been previously reported in patients with XLH (PMID: 33666701), supporting its pathogenic role.

GeneDx
Classification: Pathogenic. Last evaluated: 2016-12-05. Review status: criteria provided, single submitter. Criteria: GeneDx Variant Classification (06012015). Collection method: clinical testing. Allele origin: germline. Affected: yes.
Comment: The W167X nonsense variant in the PHEX gene is predicted to cause loss of normal protein function either through protein truncation or nonsense-mediated mRNA decay. Although this variant has not been previously reported in the literature to our knowledge, we interpret it to be pathogenic.

Dr. Peter K. Rogan Lab, Western University
No classification provided (evidence only). Condition: Thyroid cancer, nonmedullary, 1. Review status: no classification provided. Collection method: in vitro. Allele origin: not applicable. Functional consequence: retained intron. Not counted in ClinVar's aggregate classification.

Dr. Peter K. Rogan Lab, Western University
No classification provided (evidence only). Condition: Thyroid cancer, nonmedullary, 1. Review status: no classification provided. Collection method: in vitro. Allele origin: not applicable. Functional consequence: retained intron. Not counted in ClinVar's aggregate classification.

Dr. Peter K. Rogan Lab, Western University
No classification provided (evidence only). Condition: Thyroid cancer, nonmedullary, 1. Review status: no classification provided. Collection method: in vitro. Allele origin: not applicable. Functional consequence: retained intron. Not counted in ClinVar's aggregate classification.

Literature cited by the submitters: PubMed 9097956 (cited by Labcorp Genetics (formerly Invitae), Labcorp); PubMed 9106524 (cited by Labcorp Genetics (formerly Invitae), Labcorp); PubMed 19219621 (cited by Labcorp Genetics (formerly Invitae), Labcorp); PubMed 33666701 (cited by Labcorp Genetics (formerly Invitae), Labcorp and Chongqing Key Laboratory of Prevention and Treatment of Major Blinding Diseases, The First Affiliated Hospital of Chongqing Medical University).

NM_000444.6(PHEX):c.500G>A (p.Trp167Ter)

Gene: PHEX (phosphate regulating endopeptidase X-linked; plus strand). Cytogenetic location: Xp22.11.
Variant type: single nucleotide variant.
Coding change: c.500G>A on transcript NM_000444.6 (MANE Select); coding-DNA position 500, G replaced by A.
Protein change: p.Trp167Ter; replaces tryptophan 167 with a stop codon.
Molecular consequence: nonsense.
Genome position (GRCh38, 1-based): chrX:22,077,539, G>A. VCF-style: chrX-22077539-G-A. GRCh37 (hg19) VCF-style: chrX-22095657-G-A.
Other names: c.500G>A, p.Trp167Ter (NM_001282754.2); short protein forms W167*.
Identifiers: ClinVar variation 372452 (VCV000372452.7), dbSNP rs1057517789, ClinGen allele CA16043223.